The following is an entry in ClinVar:

NM_003280.3(TNNC1):c.141G>T (p.Met47Ile)

Gene: TNNC1 (troponin C1, slow skeletal and cardiac type; minus strand). Cytogenetic location: 3p21.1.
Variant type: single nucleotide variant.
Coding change: c.141G>T on transcript NM_003280.3 (MANE Select); coding-DNA position 141, G replaced by T.
Protein change: p.Met47Ile; replaces methionine 47 with isoleucine.
Molecular consequence: missense variant.
Genome position (GRCh38, 1-based): chr3:52,452,167, C>A on the plus strand (G>T on the coding strand, the complement: TNNC1 is on the minus strand). VCF-style: chr3-52452167-C-A. GRCh37 (hg19) VCF-style: chr3-52486183-C-A.
Other names: c.141G>T (LRG_378t1); short protein forms M47I.
Identifiers: ClinVar variation 265272 (VCV000265272.2), dbSNP rs886039440, ClinGen allele CA10588371.

ClinVar aggregate classification (germline): Likely pathogenic (1 of 4 stars; one submission).

Submission:

GeneDx
Classification: Likely pathogenic. Last evaluated: 2016-05-13. Review status: criteria provided, single submitter. Criteria: GeneDx Variant Classification (06012015). Collection method: clinical testing. Allele origin: germline. Affected: yes.
Comment: The M47I variant in the TNNC1 gene has not been reported previously as a pathogenic variant, nor as a benign variant, to our knowledge. The M47I variant was not observed in approximately 6500 individuals of European and African American ancestry in the NHLBI Exome Sequencing Project, indicating it is not a common benign variant in these populations. The M47I variant is a conservative amino acid substitution, which is not likely to impact secondary protein structure as these residues share similar properties. This substitution occurs at a position that is conserved across species and in silico analysis predicts this variant is probably damaging to the protein structure/function.